The following continues an entry in ClinVar:

NM_000350.3(ABCA4):c.1531C>T (p.Arg511Cys)

Gene: ABCA4. ClinVar aggregate classification (germline): Pathogenic. Pathogenic (1).

Submissions 9 to 13 of 13:

3billion
Classification: Pathogenic for Retinitis pigmentosa 19. Last evaluated: 2022-05-22. Review status: criteria provided, single submitter. Criteria: ACMG Guidelines, 2015. Collection method: clinical testing. Allele origin: germline. Affected: yes. Observed: 1 heterozygote. Not counted in ClinVar's aggregate classification.
Comment: The variant is observed at an extremely low frequency in the gnomAD v2.1.1 dataset (total allele frequency: 0.016%). In silico tool predictions suggest damaging effect of the variant on gene or gene product (REVEL: 0.70; 3Cnet: 0.88). Same nucleotide change resulting in same amino acid change has been previously reported as pathogenic/likely pathogenic with strong evidence (ClinVar ID: VCV000377402). The variant has been reported to be in trans with a pathogenic variant as either compound heterozygous or homozygous in at least one similarly affected unrelated individual (PMID: 25356976). A different missense change at the same codon (p.Arg511His) has been reported to be associated with ABCA4 related disorder (ClinVar ID: VCV000283387). Therefore, this variant is classified as pathogenic according to the recommendation of ACMG/AMP guideline.

Victorian Clinical Genetics Services, Murdoch Childrens Research Institute
Classification: Pathogenic for Cone-rod dystrophy 3. Last evaluated: 2022-02-02. Review status: criteria provided, single submitter. Criteria: ACMG Guidelines, 2015. Collection method: clinical testing. Allele origin: germline. Inheritance: Autosomal recessive inheritance. Not counted in ClinVar's aggregate classification.
Comment: Based on the classification scheme VCGS_Germline_v1.3.4, this variant is classified as Pathogenic. Following criteria are met: 0102 - Loss of function is a known mechanism of disease in this gene and is associated with Stargardt disease (MIM #248200), cone-rod dystrophy 3 (MIM #6041163), fundus flavimaculatus (MIM #248200), early-onset severe retinal dystrophy (MIM #248200) and retinitis pigmentosa 19 (MIM #601718). (I) 0106 - This gene is associated with autosomal recessive disease. (I) 0115 - Variants in this gene are known to have variable expressivity. Affected siblings can have variable age of onset and severity of disease (PMID: 31522899). (I) 0200 - Variant is predicted to result in a missense amino acid change from arginine to cysteine. (I) 0251 - This variant is heterozygous. (I) 0304 - Variant is present in gnomAD (v2) <0.01 for a recessive condition (46 heterozygotes, 0 homozygotes). (SP) 0309 - An alternative amino acid change at the same position has been observed in gnomAD (v2) (201 heterozygotes, 0 homozygotes). (I) 0501 - Missense variant consistently predicted to be damaging by multiple in silico tools or highly conserved with a major amino acid change. (SP) 0604 - Variant is not located in an established domain, motif, hotspot or informative constraint region. (I) 0801 - This variant has strong previous evidence of pathogenicity in unrelated individuals. This variant has been reported in multiple individuals with Stargardt disease and cone-rod dystrophy (ClinVar, PMID: 25356976, 25312043, 26780318, 28327576, 30060493). (SP) 1208 - Inheritance information for this variant is not currently available in this individual. (I) Legend: (SP) - Supporting pathogenic, (I) - Information, (SB) - Supporting benign

Illumina Laboratory Services, Illumina
Classification: Likely pathogenic for ABCA4-Related Disorders. Last evaluated: 2017-04-28. Review status: criteria provided, single submitter. Criteria: ICSL Variant Classification Criteria 09 May 2019. Collection method: clinical testing. Allele origin: germline. Not counted in ClinVar's aggregate classification.
Comment: The ABCA4 c.1531C>T (p.Arg511Cys) missense variant has been reported in four studies in which it is found in a total of six individuals with an ABCA4-related disorder. One individual with an ABCA4-related disorder of an unspecified type carried the p.Arg511Cys variant in a homozygous state (Zernant et al. 2011). Two individuals with Stargardt disease and one patient with inherited retinal dystrophy carried the p.Arg511Cys variant in a compound heterozygous state with a second variant (Jiang et al. 2016; Huang et al. 2015). One individual with Stargardt disease carried the p.Arg511Cys variant along with both a duplication and a missense variant of unclear zygosity in the ABCA4 gene (Fujinami et al. 2015). One individual with cone rod dystrophy carried the p.Arg511Cys variant with a second ABCA4 variant of unknown pathogenicity in cis and a third variant in trans (Jiang et al. 2016). The p.Arg511Cys variant was absent from 464 controls and is reported at a frequency of 0.00243 in the East Asian population of the Exome Aggregate Consortium. Based on the collective evidence, the p.Arg511Cys variant is classified as likely pathogenic for autosomal recessive ABCA4-related disorders. This variant was observed by ICSL as part of a predisposition screen in an ostensibly healthy population.

Juno Genomics, Hangzhou Juno Genomics, Inc
Classification: Likely pathogenic for Age related macular degeneration 2; Cone-rod dystrophy 3; Severe early-childhood-onset retinal dystrophy; Retinitis pigmentosa 19. Review status: criteria provided, single submitter. Criteria: ACMG Guidelines, 2015. Collection method: clinical testing. Allele origin: germline. Not counted in ClinVar's aggregate classification.
Comment: Multiple lines of computational evidence support a deleterious effect on the gene or gene product.;For recessive disorders, detected in trans with a pathogenic variant.;Patient's phenotype or family history is highly specific for a disease with a single genetic etiology.

Dept Of Ophthalmology, Nagoya University
Classification: Uncertain significance for Retinal dystrophy. Last evaluated: 2023-10-01. Review status: flagged submission. Criteria: Submitter's publication. Collection method: research. Allele origin: germline. Affected: yes. Not counted in ClinVar's aggregate classification.
ClinVar note: Reason: Outlier claim with insufficient supporting evidence

Literature cited by the submitters: PubMed 25312043 (cited by 3 submitters); PubMed 25356976 (cited by 5 submitters); PubMed 26780318 (cited by 3 submitters); PubMed 30060493 (cited by Labcorp Genetics (formerly Invitae), Labcorp and Victorian Clinical Genetics Services, Murdoch Childrens Research Institute); PubMed 28327576 (cited by Victorian Clinical Genetics Services, Murdoch Childrens Research Institute); PubMed 31522899 (cited by Victorian Clinical Genetics Services, Murdoch Childrens Research Institute); PubMed 21911583 (cited by Illumina Laboratory Services, Illumina).